The following is an entry in ClinVar:

ClinVar aggregate classification (germline): Uncertain significance (1 of 4 stars; one submission).

Allele frequency attached by ClinVar (database versions not stated): TOPMed below 0.00001; gnomAD 0.00001.
gnomAD v4.1: 1 of 1,614,084 alleles (0.000062%); no homozygotes.

Submission:

Ambry Genetics
Classification: Uncertain significance. Last evaluated: 2025-01-17. Review status: criteria provided, single submitter. Criteria: Ambry Variant Classification Scheme 2023. Collection method: clinical testing. Allele origin: germline.
Comment: The p.M843T variant (also known as c.2528T>C), located in coding exon 1 of the MLH3 gene, results from a T to C substitution at nucleotide position 2528. The methionine at codon 843 is replaced by threonine, an amino acid with similar properties. This amino acid position is conserved. In addition, this alteration is predicted to be tolerated by in silico analysis. Since supporting evidence is limited at this time, the clinical significance of this alteration remains unclear.

NM_001040108.2(MLH3):c.2528T>C (p.Met843Thr)

Gene: MLH3 (mutL homolog 3; minus strand). Cytogenetic location: 14q24.3.
Variant type: single nucleotide variant.
Coding change: c.2528T>C on transcript NM_001040108.2 (MANE Select); coding-DNA position 2528, T replaced by C.
Protein change: p.Met843Thr; replaces methionine 843 with threonine.
Molecular consequence: missense variant.
Genome position (GRCh38, 1-based): chr14:75,047,128, A>G on the plus strand (T>C on the coding strand, the complement: MLH3 is on the minus strand). VCF-style: chr14-75047128-A-G. GRCh37 (hg19) VCF-style: chr14-75513831-A-G.
Other names: c.2528T>C, p.Met843Thr (NM_014381.3); short protein forms M843T.
Identifiers: ClinVar variation 2497080 (VCV002497080.3), dbSNP rs1892294879, ClinGen allele CA390439980.